The following is an entry in ClinVar:

ClinVar aggregate classification (germline): Benign/Likely benign. Review status: criteria provided, multiple submitters, no conflicts (2 of 4 stars). 2 submissions from 2 submitters: Benign (1); Likely benign (1). Last evaluated 2025-12-08.

Conditions:
FG syndrome (FGS). Identifiers: MedGen C0220769, MONDO:0002010.

Allele frequency attached by ClinVar (database versions not stated): ExAC 0.00001; TOPMed 0.00002; gnomAD 0.00003 and 0.00004; gnomAD exomes 0.00003.
gnomAD v4.1: 44 of 1,199,863 alleles (0.0037%); highest among the groups gnomAD compares: Non-Finnish European, 0.0046%; no homozygotes.

Submissions (2):

Labcorp Genetics (formerly Invitae), Labcorp
Classification: Benign for FG syndrome. Last evaluated: 2025-12-08. Review status: criteria provided, single submitter. Criteria: Invitae Variant Classification Sherloc (09022015). Collection method: clinical testing. Allele origin: germline.

GeneDx
Classification: Likely benign. Last evaluated: 2016-10-17. Review status: criteria provided, single submitter. Criteria: GeneDx Variant Classification (06012015). Collection method: clinical testing. Allele origin: germline. Affected: yes.
Comment: This variant is considered likely benign or benign based on one or more of the following criteria: it is a conservative change, it occurs at a poorly conserved position in the protein, it is predicted to be benign by multiple in silico algorithms, and/or has population frequency not consistent with disease.

NM_005120.3(MED12):c.1348+18G>A

Genes: MED12 (mediator complex subunit 12; plus strand), LOC126863275 (BRD4-independent group 4 enhancer GRCh37_chrX:70342400-70343599; plus strand). Cytogenetic location: Xq13.1.
Variant type: single nucleotide variant.
Coding change: c.1348+18G>A on transcript NM_005120.3 (MANE Select); 18 bases into the intron after coding-DNA position 1348, G replaced by A.
Molecular consequence: intron variant.
Genome position (GRCh38, 1-based): chrX:71,122,625, G>A. VCF-style: chrX-71122625-G-A. GRCh37 (hg19) VCF-style: chrX-70342475-G-A.
Identifiers: ClinVar variation 380476 (VCV000380476.9), dbSNP rs776024292, ClinGen allele CA10444166.
Genomic context (GRCh38, chrX:71,122,625, plus strand): 5'-GAAGTTCGCTGGTCTTTCGATAAATGCCAGGAAGCTACTGCAGGTATGTGTCAGAGAACA[G>A]ATAATAGGAAATATGTTTGAGGAAAGGATGGGGATAGTAAGGACATGTAGATCTAAGAGC-3'